The following is an entry in ClinVar:

ClinVar aggregate classification (germline): Uncertain significance. Review status: criteria provided, multiple submitters, no conflicts (2 of 4 stars). 3 submissions from 3 submitters: Uncertain significance (3). Last evaluated 2024-10-06.

Conditions:
Inborn genetic diseases. Identifiers: MedGen C0950123, MeSH D030342.

Allele frequency attached by ClinVar (database versions not stated): gnomAD 0.00001; gnomAD exomes 0.00001 and 0.00004; TOPMed 0.00002; ExAC 0.00012.
gnomAD v4.1: 21 of 1,588,396 alleles (0.0013%); highest among the groups gnomAD compares: Non-Finnish European, 0.0016%; no homozygotes.

Submissions (3):

Ambry Genetics
Classification: Uncertain significance for Inborn genetic diseases. Last evaluated: 2024-10-06. Review status: criteria provided, single submitter. Criteria: Ambry Variant Classification Scheme 2023. Collection method: clinical testing. Allele origin: germline.

GeneDx
Classification: Uncertain significance. Last evaluated: 2023-06-09. Review status: criteria provided, single submitter. Criteria: GeneDx Variant Classification Process June 2021. Collection method: clinical testing. Allele origin: germline. Affected: yes.
Comment: In silico analysis supports that this missense variant does not alter protein structure/function; Has not been previously published as pathogenic or benign to our knowledge

ARUP Laboratories, Molecular Genetics and Genomics, ARUP Laboratories
Classification: Uncertain significance. Last evaluated: 2017-01-05. Review status: criteria provided, single submitter. Criteria: ARUP Molecular Germline Variant Investigation Process. Collection method: clinical testing. Allele origin: germline.

NM_003978.5(PSTPIP1):c.847C>T (p.Pro283Ser)

Gene: PSTPIP1 (proline-serine-threonine phosphatase interacting protein 1; plus strand). Cytogenetic location: 15q24.3.
Variant type: single nucleotide variant.
Coding change: c.847C>T on transcript NM_003978.5 (MANE Select); coding-DNA position 847, C replaced by T.
Protein change: p.Pro283Ser; replaces proline 283 with serine.
Molecular consequence: missense variant. On other transcripts: intron variant (1).
Genome position (GRCh38, 1-based): chr15:77,032,870, C>T. VCF-style: chr15-77032870-C-T. GRCh37 (hg19) VCF-style: chr15-77325211-C-T.
Other names: c.820C>T, p.Pro274Ser (NM_001321136.2); c.1042C>T, p.Pro348Ser (NM_001321137.1); c.872+442C>T (NM_001321135.2); c.847C>T (NM_003978.3); short protein forms P283S, P274S, P348S.
Identifiers: ClinVar variation 440211 (VCV000440211.11), dbSNP rs774891463, ClinGen allele CA7676051.